The following is an entry in ClinVar:

NM_000291.4(PGK1):c.1067T>A (p.Met356Lys)

Gene: PGK1 (phosphoglycerate kinase 1; plus strand). Cytogenetic location: Xq21.1.
Variant type: single nucleotide variant.
Coding change: c.1067T>A on transcript NM_000291.4 (MANE Select); coding-DNA position 1067, T replaced by A.
Protein change: p.Met356Lys; replaces methionine 356 with lysine.
Molecular consequence: missense variant.
Genome position (GRCh38, 1-based): chrX:78,125,004, T>A. VCF-style: chrX-78125004-T-A. GRCh37 (hg19) VCF-style: chrX-77380501-T-A.
Other names: short protein forms M356K.
Identifiers: ClinVar variation 2866314 (VCV002866314.3), dbSNP rs1289167773, ClinGen allele CA413717938.
Genomic context (GRCh38, chrX:78,125,004, plus strand): 5'-GGAATGGTCCTGTGGGGGTATTTGAATGGGAAGCTTTTGCCCGGGGAACCAAAGCTCTCA[T>A]GGATGAGGTGGTGAAAGCCACTTCTAGGGGCTGCATCACCATCATAGGTAAGCGGTCCTA-3'
Protein context (NP_000282.1, residues 346-366): EAFARGTKAL[Met356Lys]DEVVKATSRG

ClinVar aggregate classification (germline): Uncertain significance (1 of 4 stars; one submission).

Submission:

Labcorp Genetics (formerly Invitae), Labcorp
Classification: Uncertain significance. Last evaluated: 2023-05-20. Review status: criteria provided, single submitter. Criteria: Invitae Variant Classification Sherloc (09022015). Collection method: clinical testing. Allele origin: germline.
Comment: This variant has not been reported in the literature in individuals affected with PGK1-related conditions. This variant is not present in population databases (gnomAD no frequency). This sequence change replaces methionine, which is neutral and non-polar, with lysine, which is basic and polar, at codon 356 of the PGK1 protein (p.Met356Lys). Advanced modeling of protein sequence and biophysical properties (such as structural, functional, and spatial information, amino acid conservation, physicochemical variation, residue mobility, and thermodynamic stability) performed at Invitae indicates that this missense variant is expected to disrupt PGK1 protein function. In summary, the available evidence is currently insufficient to determine the role of this variant in disease. Therefore, it has been classified as a Variant of Uncertain Significance.